The following is an entry in ClinVar:

GRCh38/hg38 8p21.2-q11.21(chr8:25832130-48521849)x3

Genes: ADAM18 (ADAM metallopeptidase domain 18; plus strand), ADAM2 (ADAM metallopeptidase domain 2; minus strand), ADAM32 (ADAM metallopeptidase domain 32; plus strand), ADAM9 (ADAM metallopeptidase domain 9; plus strand), ADGRA2 (adhesion G protein-coupled receptor A2; plus strand) and 589 more. Cytogenetic location: 8p21.2-q11.21.
Variant type: copy number gain.
Change: copy number 3 (three copies instead of two) of chr8:25,832,130-48,521,849 (22.69 Mb, GRCh38 coordinates, 1-based), cytogenetic band 8p21.2-q11.21.
Identifiers: ClinVar variation 57237 (VCV000057237.1).

ClinVar aggregate classification (germline): Pathogenic (1 of 4 stars; one submission).

Submission:

ISCA site 4
Classification: Pathogenic. Last evaluated: 2011-08-12. Review status: criteria provided, single submitter. Criteria: Kaminsky et al. (Genet Med. 2011). Collection method: clinical testing. Allele origin: unknown. Affected: yes. Observed: 1 variant allele.
Comment: Copy number variation identified through the course of routine clinical cytogenomic testing in postnatal populations. Clinical assertions have been curated as described in Kaminsky et al. 2011.